The following is an entry in ClinVar:

ClinVar aggregate classification (germline): Uncertain significance (1 of 4 stars; one submission).

Conditions:
Loeys-Dietz syndrome 2 (LDS2). Also called: TGFBR2-Related Loeys-Dietz Syndrome; AORTIC ANEURYSM, FAMILIAL THORACIC 3; MARFAN SYNDROME, TYPE II; Marfan syndrome, type 2 (formerly); Marfan Syndrome type 2; Marfan like connective tissue disorder. Identifiers: Orphanet 284973, Orphanet 558, MedGen C2674574, MONDO:0012427, OMIM 610168.

gnomAD v4.1: 2 of 1,614,040 alleles (0.00012%); highest among the groups gnomAD compares: Non-Finnish European, 0.00017%; no homozygotes.

Submission:

All of Us Research Program, National Institutes of Health
Classification: Uncertain significance for Loeys-Dietz syndrome 2. Last evaluated: 2024-04-25. Review status: criteria provided, single submitter. Criteria: ACMG Guidelines, 2015. Collection method: clinical testing. Allele origin: germline. Inheritance: Autosomal dominant inheritance. Observed: 1 variant allele, 1 heterozygote.
Comment: This missense variant replaces valine with methionine at codon 56 of the TGFBR2 protein. Computational prediction suggests that this variant may not impact protein structure and function (internally defined REVEL score threshold <= 0.5, PMID: 27666373). To our knowledge, functional studies have not been reported for this variant. This variant has not been reported in individuals affected with TGFBR2-related disorders in the literature. This variant has been identified in 1/251056 chromosomes in the general population by the Genome Aggregation Database (gnomAD). The available evidence is insufficient to determine the role of this variant in disease conclusively. Therefore, this variant is classified as a Variant of Uncertain Significance.

This study involves interpretation of variants in research participants for the purpose of population health screening. Participant phenotype was not available at the time of variant classification. Additional details can be found in publication PMID: 35346344, PMCID: PMC8962531

NM_003242.6(TGFBR2):c.166G>A (p.Val56Met)

Gene: TGFBR2 (transforming growth factor beta receptor 2; plus strand). Cytogenetic location: 3p24.1.
Variant type: single nucleotide variant.
Coding change: c.166G>A on transcript NM_003242.6 (MANE Select); coding-DNA position 166, G replaced by A.
Protein change: p.Val56Met; replaces valine 56 with methionine.
Molecular consequence: missense variant. On other transcripts: intron variant (2).
Genome position (GRCh38, 1-based): chr3:30,644,818, G>A. VCF-style: chr3-30644818-G-A. GRCh37 (hg19) VCF-style: chr3-30686310-G-A.
Other names: c.241G>A, p.Val81Met (NM_001024847.3, NM_001407126.1, NM_001407139.1); c.166G>A, p.Val56Met (NM_001407127.1, NM_001407130.1); c.193G>A, p.Val65Met (NM_001407128.1); c.61G>A, p.Val21Met (NM_001407129.1, NM_001407132.1, NM_001407133.1 and 3 more transcripts); c.169+21545G>A (NM_001407137.1); c.95-26820G>A (NM_001407138.1); short protein forms V21M, V56M, V65M, V81M.
Identifiers: ClinVar variation 3386056 (VCV003386056.1).
Genomic context (GRCh38, chr3:30,644,818, plus strand): 5'-ATGATAGTCACTGACAACAACGGTGCAGTCAAGTTTCCACAACTGTGTAAATTTTGTGAT[G>A]TGAGATTTTCCACCTGTGACAACCAGAAATCCTGCATGAGCAACTGCAGCATCACCTCCA-3'
Protein context (NP_003233.4, residues 46-66): KFPQLCKFCD[Val56Met]RFSTCDNQKS